The following is an entry in ClinVar:

ClinVar aggregate classification (germline): Conflicting classifications of pathogenicity. Review status: criteria provided, conflicting classifications (1 of 4 stars). 7 submissions from 7 submitters: Likely pathogenic (2); Uncertain significance (4). 1 of the submissions does not count toward it. Last evaluated 2026-07-05.

Conditions:
ABCB4-related disorder. Also called: ABCB4-related disorders; ABCB4-related condition.
Familial intrahepatic cholestasis. Identifiers: Orphanet 284385, MedGen CN296401, MONDO:0017290.
Cholestasis, intrahepatic, of pregnancy, 3. Identifiers: Orphanet 69665, MedGen C3554241, MONDO:0013995, OMIM 614972.

Allele frequency attached by ClinVar (database versions not stated): TOPMed below 0.00001; gnomAD 0.00001; gnomAD exomes 0.00001 and 0.00002; ExAC 0.00002.
gnomAD v4.1: 9 of 1,614,026 alleles (0.00056%); highest among the groups gnomAD compares: African/African-American, 0.004%; no homozygotes.

Submissions (7):

PreventionGenetics, part of Exact Sciences
Classification: Likely pathogenic for ABCB4-related condition. Last evaluated: 2026-07-05. Review status: criteria provided, single submitter. Criteria: ACMG Guidelines, 2015. Collection method: clinical testing. Allele origin: germline.
Comment: The ABCB4 c.3230C>T variant is predicted to result in the amino acid substitution p.Thr1077Met. This variant has been reported in the heterozygous state in an individual with intrahepatic cholestasis of pregnancy (Supplemental Table S2, Turro et al 2020. PubMed ID: 32581362), in the heterozygous state in an individual with cholestasis (Supplemental Table S4, Hertel et al. 2021. PubMed ID: 34016879), and in the homozygous and compound heterozygous states in individuals with progressive familial intrahepatic cholestasis type 3 (PFIC3; Chen et al. 2022. PubMed ID: 36550572; Shankar et al. 2021. PubMed ID: 35535055). A functional study using HepG2 and HEK293 cells shows that this variant does not impair the intracellular trafficking and the plasma membrane localization of ABCB4, however, PC secretion activity was greatly affected measuring at only 7% compared to control (Madry et al. 2025. PubMed ID: 41274965). This variant is reported in 0.012% of alleles in individuals of African descent in gnomAD. Taken together, this variant is interpreted as likely pathogenic.

Genomenon, Inc
Classification: Likely pathogenic for Familial intrahepatic cholestasis. Last evaluated: 2026-04-14. Review status: criteria provided, single submitter. Criteria: Genomenon Sequence Variant Interpretation Standards - Updated. Collection method: curation. Allele origin: germline. Affected: yes.
Comment: ABCB4 p.Thr1077Met (c.3230C>T) is a missense variant that changes the amino acid at residue 1077 from Threonine to Methionine. This variant has been observed in at least one proband with an ABCB4-related disorder (PMID:36550572;35535055;34016879;32581362). It has been observed in trans with a pathogenic or likely pathogenic variant (PMID:36550572). At least one functional study has demonstrated a substantial alteration in protein function relative to the wild-type (PMID:41274965). It is absent or not present at a significant frequency in gnomAD. In silico models predict that this variant is possibly or probably damaging. In conclusion, we classify ABCB4 p.Thr1077Met (c.3230C>T) as a likely pathogenic variant.

Labcorp Genetics (formerly Invitae), Labcorp
Classification: Uncertain significance. Last evaluated: 2025-10-24. Review status: criteria provided, single submitter. Criteria: Invitae Variant Classification Sherloc (09022015). Collection method: clinical testing. Allele origin: germline.
Comment: This sequence change replaces threonine, which is neutral and polar, with methionine, which is neutral and non-polar, at codon 1077 of the ABCB4 protein (p.Thr1077Met). This variant is present in population databases (rs754565782, gnomAD 0.01%). This missense change has been observed in individuals with autosomal recessive familial intrahepatic cholestasis type 3 (PMID: 35535055, 36550572). ClinVar contains an entry for this variant (Variation ID: 195854). Invitae Evidence Modeling of protein sequence and biophysical properties (such as structural, functional, and spatial information, amino acid conservation, physicochemical variation, residue mobility, and thermodynamic stability) indicates that this missense variant is expected to disrupt ABCB4 protein function with a positive predictive value of 80%. In summary, the available evidence is currently insufficient to determine the role of this variant in disease. Therefore, it has been classified as a Variant of Uncertain Significance.

Women's Health and Genetics/Laboratory Corporation of America, LabCorp
Classification: Uncertain significance. Last evaluated: 2025-03-12. Review status: criteria provided, single submitter. Criteria: LabCorp Variant Classification Summary - May 2015. Collection method: clinical testing. Allele origin: germline.
Comment: Variant summary: ABCB4 c.3230C>T (p.Thr1077Met) results in a non-conservative amino acid change in the encoded protein sequence. Five of five in-silico tools predict a damaging effect of the variant on protein function. The variant allele was found at a frequency of 2e-05 in 251172 control chromosomes. The available data on variant occurrences in the general population are insufficient to allow any conclusion about variant significance. c.3230C>T has been reported in the literature in heterozygous and bi-alleleic individuals affected with Familial Intrahepatic Cholestasis (example: Shankar_2022, Hertel_2022, Chen_2022). These report(s) do not provide unequivocal conclusions about association of the variant with Familial Intrahepatic Cholestasis. To our knowledge, no experimental evidence demonstrating an impact on protein function has been reported. The following publications have been ascertained in the context of this evaluation (PMID: 35535055, 36550572, 34016879). ClinVar contains an entry for this variant (Variation ID: 195854). Based on the evidence outlined above, the variant was classified as uncertain significance.

CeGaT Center for Human Genetics Tuebingen
Classification: Uncertain significance. Last evaluated: 2019-11-01. Review status: criteria provided, single submitter. Criteria: CeGaT Center For Human Genetics Tuebingen Variant Classification Criteria Version 2. Collection method: clinical testing. Allele origin: germline. Affected: yes. Observed: 2 variant alleles.

Eurofins Ntd Llc (ga)
Classification: Uncertain significance. Last evaluated: 2015-06-02. Review status: criteria provided, single submitter. Criteria: EGL Classification Definitions 2015. Collection method: clinical testing. Allele origin: germline. Observed: 1 variant allele, 1 heterozygote.

NIHR Bioresource Rare Diseases, University of Cambridge
Classification: Likely pathogenic for Cholestasis, intrahepatic, of pregnancy, 3. Review status: no assertion criteria provided. Collection method: research. Allele origin: unknown. Affected: yes. Observed: 1 variant allele. Not counted in ClinVar's aggregate classification.

Literature cited by the submitters: PubMed 36550572 (cited by 3 submitters); PubMed 35535055 (cited by 3 submitters); PubMed 34016879 (cited by Genomenon, Inc and Women's Health and Genetics/Laboratory Corporation of America, LabCorp); PubMed 32581362 (cited by Genomenon, Inc and NIHR Bioresource Rare Diseases, University of Cambridge); PubMed 41274965 (cited by Genomenon, Inc).

NM_000443.4(ABCB4):c.3230C>T (p.Thr1077Met)

Gene: ABCB4 (ATP binding cassette subfamily B member 4; minus strand). Cytogenetic location: 7q21.12.
Variant type: single nucleotide variant.
Coding change: c.3230C>T on transcript NM_000443.4 (MANE Select); coding-DNA position 3230, C replaced by T.
Protein change: p.Thr1077Met; replaces threonine 1077 with methionine.
Molecular consequence: missense variant.
Genome position (GRCh38, 1-based): chr7:87,408,086, G>A on the plus strand (C>T on the coding strand, the complement: ABCB4 is on the minus strand). VCF-style: chr7-87408086-G-A. GRCh37 (hg19) VCF-style: chr7-87037402-G-A.
Other names: c.3230C>T, p.Thr1077Met (NM_018849.3); c.3089C>T, p.Thr1030Met (NM_018850.3); c.3230C>T (NM_000443.3); short protein forms T1077M, T1030M.
Identifiers: ClinVar variation 195854 (VCV000195854.52), dbSNP rs754565782, ClinGen allele CA242508.
Genomic context (GRCh38, chr7:87,408,086, plus strand): 5'-AATGTGCTCACCACTGTCCCCGCCAAGGGGTCGTAGAACCGCTCCAGGAGCTGGACCACC[G>A]TGCTCTTCCCACAGCCACTGCTGCCCACCAGGGCTAGTGTCTGGCCTTTCTTCACCTCCA-3'
Protein context (NP_000434.1, residues 1067-1087): LVGSSGCGKS[Thr1077Met]VVQLLERFYD